The following is an entry in ClinVar:

ClinVar aggregate classification (germline): Conflicting classifications of pathogenicity. Review status: criteria provided, conflicting classifications (1 of 4 stars). 3 submissions from 3 submitters: Uncertain significance (2); Likely benign (1). Last evaluated 2024-03-21.

Conditions:
Hereditary pancreatitis (PCTT). Also called: Hereditary chronic pancreatitis; PRSS1-Related Hereditary Pancreatitis. Identifiers: Orphanet 676, MedGen C0238339, MONDO:0008185, OMIM 167800.

Allele frequency attached by ClinVar (database versions not stated): gnomAD exomes 0.00001 and 0.00002; ExAC 0.00002; gnomAD 0.00005 and 0.00006; ESP Exome Variant Server 0.00008; TOPMed 0.00008.
gnomAD v4.1: 12 of 1,613,936 alleles (0.00074%); highest among the groups gnomAD compares: African/African-American, 0.015%; no homozygotes.

Submissions (3):

Ambry Genetics
Classification: Likely benign for Hereditary pancreatitis. Last evaluated: 2024-03-21. Review status: criteria provided, single submitter. Criteria: Ambry Variant Classification Scheme 2023. Collection method: clinical testing. Allele origin: germline.

Women's Health and Genetics/Laboratory Corporation of America, LabCorp
Classification: Uncertain significance. Last evaluated: 2024-03-11. Review status: criteria provided, single submitter. Criteria: LabCorp Variant Classification Summary - May 2015. Collection method: clinical testing. Allele origin: germline.
Comment: Variant summary: SPINK1 c.208T>A (p.Ser70Thr) results in a conservative amino acid change located in the Kazal domain (IPR002350) of the encoded protein sequence. Five of five in-silico tools predict a benign effect of the variant on protein function. The variant allele was found at a frequency of 2.4e-05 in 250554 control chromosomes. The available data on variant occurrences in the general population are insufficient to allow any conclusion about variant significance. To our knowledge, no occurrence of c.208T>A in individuals affected with Chronic Pancreatitis Risk and no experimental evidence demonstrating its impact on protein function have been reported. ClinVar contains an entry for this variant (Variation ID: 570585). Based on the evidence outlined above, the variant was classified as uncertain significance.

Labcorp Genetics (formerly Invitae), Labcorp
Classification: Uncertain significance for Hereditary pancreatitis. Last evaluated: 2022-06-30. Review status: criteria provided, single submitter. Criteria: Invitae Variant Classification Sherloc (09022015). Collection method: clinical testing. Allele origin: germline.
Comment: In summary, the available evidence is currently insufficient to determine the role of this variant in disease. Therefore, it has been classified as a Variant of Uncertain Significance. Algorithms developed to predict the effect of missense changes on protein structure and function (SIFT, PolyPhen-2, Align-GVGD) all suggest that this variant is likely to be tolerated. ClinVar contains an entry for this variant (Variation ID: 570585). This variant has not been reported in the literature in individuals affected with SPINK1-related conditions. This variant is present in population databases (rs373011963, gnomAD 0.03%). This sequence change replaces serine, which is neutral and polar, with threonine, which is neutral and polar, at codon 70 of the SPINK1 protein (p.Ser70Thr).

NM_001379610.1(SPINK1):c.208T>A (p.Ser70Thr)

Gene: SPINK1 (serine peptidase inhibitor Kazal type 1; minus strand). Cytogenetic location: 5q32.
Variant type: single nucleotide variant.
Coding change: c.208T>A on transcript NM_001379610.1 (MANE Select); coding-DNA position 208, T replaced by A.
Protein change: p.Ser70Thr; replaces serine 70 with threonine.
Molecular consequence: missense variant.
Genome position (GRCh38, 1-based): chr5:147,824,693, A>T on the plus strand (T>A on the coding strand, the complement: SPINK1 is on the minus strand). VCF-style: chr5-147824693-A-T. GRCh37 (hg19) VCF-style: chr5-147204256-A-T.
Other names: c.208T>A, p.Ser70Thr (NM_001354966.2, NM_003122.5); short protein forms S70T.
Identifiers: ClinVar variation 570585 (VCV000570585.13), dbSNP rs373011963, ClinGen allele CA3494750.